The following is an entry in ClinVar:

NM_000548.5(TSC2):c.2734A>G (p.Ile912Val)

Gene: TSC2 (TSC complex subunit 2; plus strand). Cytogenetic location: 16p13.3.
Variant type: single nucleotide variant.
Coding change: c.2734A>G on transcript NM_000548.5 (MANE Select); coding-DNA position 2734, A replaced by G.
Protein change: p.Ile912Val; replaces isoleucine 912 with valine.
Molecular consequence: missense variant.
Genome position (GRCh38, 1-based): chr16:2,076,162, A>G. VCF-style: chr16-2076162-A-G. GRCh37 (hg19) VCF-style: chr16-2126163-A-G.
Other names: c.2734A>G, p.Ile912Val (NM_001077183.3, NM_001114382.3, NM_001363528.2 and 3 more transcripts); c.2623A>G, p.Ile875Val (NM_001318827.2); c.2587A>G, p.Ile863Val (NM_001318829.2); c.2134A>G, p.Ile712Val (NM_001318831.2); c.2767A>G, p.Ile923Val (NM_001318832.2); short protein forms I712V, I863V, I875V, I912V, I923V.
Identifiers: ClinVar variation 1057525 (VCV001057525.11), dbSNP rs748461293, ClinGen allele CA041070.

ClinVar aggregate classification (germline): Conflicting classifications of pathogenicity. Review status: criteria provided, conflicting classifications (1 of 4 stars). 2 submissions from 2 submitters: Uncertain significance (1); Benign (1). Last evaluated 2025-05-21.

Conditions:
Hereditary cancer-predisposing syndrome. Also called: Tumor predisposition; Neoplastic Syndromes, Hereditary; Hereditary Cancer Syndrome; Hereditary neoplastic syndrome. Identifiers: Orphanet 140162, MedGen C0027672, MeSH D009386, MONDO:0015356.
Tuberous sclerosis 2 (TSC2). Identifiers: Orphanet 805, MedGen C1860707, MONDO:0013199, OMIM 613254.

Allele frequency attached by ClinVar (database versions not stated): gnomAD exomes below 0.00001 and 0.00001; TOPMed below 0.00001; ExAC 0.00001.

Submissions (2):

Labcorp Genetics (formerly Invitae), Labcorp
Classification: Benign for Tuberous sclerosis 2. Last evaluated: 2025-05-21. Review status: criteria provided, single submitter. Criteria: Invitae Variant Classification Sherloc (09022015). Collection method: clinical testing. Allele origin: germline.

Ambry Genetics
Classification: Uncertain significance for Hereditary cancer-predisposing syndrome. Last evaluated: 2022-05-19. Review status: criteria provided, single submitter. Criteria: Ambry Variant Classification Scheme 2023. Collection method: clinical testing. Allele origin: germline.
Comment: The p.I912V variant (also known as c.2734A>G), located in coding exon 23 of the TSC2 gene, results from an A to G substitution at nucleotide position 2734. The isoleucine at codon 912 is replaced by valine, an amino acid with highly similar properties. This amino acid position is conserved. In addition, this alteration is predicted to be deleterious by in silico analysis. Since supporting evidence is limited at this time, the clinical significance of this alteration remains unclear.